The following is an entry in ClinVar:

ClinVar aggregate classification (germline): Likely pathogenic (1 of 4 stars; one submission).

Conditions:
Hereditary cancer-predisposing syndrome. Also called: Neoplastic Syndromes, Hereditary; Hereditary neoplastic syndrome; Tumor predisposition; Hereditary Cancer Syndrome. Identifiers: Orphanet 140162, MedGen C0027672, MeSH D009386, MONDO:0015356.

Submission:

Ambry Genetics
Classification: Likely pathogenic for Hereditary cancer-predisposing syndrome. Last evaluated: 2022-12-09. Review status: criteria provided, single submitter. Criteria: Ambry Variant Classification Scheme 2023. Collection method: clinical testing. Allele origin: germline.
Comment: The c.1166+731A>G intronic variant results from an A to G substitution 731 nucleotides after coding exon 8 in the BMPR1A gene. This alteration has been observed in at least one individual with a personal and/or family history that is consistent with juvenile polyposis syndrome (Ambry internal data). This nucleotide position is well conserved in available vertebrate species. In silico splice site analysis for this alteration is inconclusive. However, RNA studies have demonstrated that this alteration results in abnormal splicing in the set of samples tested (Ambry internal data). Based on the majority of available evidence to date, this variant is likely to be pathogenic.

NM_004329.3(BMPR1A):c.1166+731A>G

Gene: BMPR1A (bone morphogenetic protein receptor type 1A; plus strand). Cytogenetic location: 10q23.2.
Variant type: single nucleotide variant.
Coding change: c.1166+731A>G on transcript NM_004329.3 (MANE Select); 731 bases into the intron after coding-DNA position 1166, A replaced by G.
Molecular consequence: intron variant.
Genome position (GRCh38, 1-based): chr10:86,920,200, A>G. VCF-style: chr10-86920200-A-G. GRCh37 (hg19) VCF-style: chr10-88679957-A-G.
Other names: c.1166+731A>G (NM_001406562.1, NM_001406568.1, NM_001406567.1 and 19 more transcripts); c.1082+731A>G (NM_001406584.1, NM_001406588.1, NM_001406587.1 and 2 more transcripts); c.1214+731A>G (NM_001406560.1); c.1241+731A>G (NM_001406559.1); c.1160+731A>G (NM_001406583.1); c.824+731A>G (NM_001406589.1).
Identifiers: ClinVar variation 2497552 (VCV002497552.2), dbSNP rs2539628994, ClinGen allele CA2580082124.